The following is an entry in ClinVar:

ClinVar aggregate classification (germline): Uncertain significance (1 of 4 stars; one submission).

Allele frequency attached by ClinVar (database versions not stated): gnomAD exomes below 0.00001.
gnomAD v4.1: 3 of 1,609,452 alleles (0.00019%); highest among the groups gnomAD compares: Non-Finnish European, 0.00025%; no homozygotes.

Submission:

Labcorp Genetics (formerly Invitae), Labcorp
Classification: Uncertain significance. Last evaluated: 2022-09-06. Review status: criteria provided, single submitter. Criteria: Invitae Variant Classification Sherloc (09022015). Collection method: clinical testing. Allele origin: germline.
Comment: In summary, the available evidence is currently insufficient to determine the role of this variant in disease. Therefore, it has been classified as a Variant of Uncertain Significance. Algorithms developed to predict the effect of missense changes on protein structure and function are either unavailable or do not agree on the potential impact of this missense change (SIFT: "Deleterious"; PolyPhen-2: "Benign"; Align-GVGD: "Class C65"). ClinVar contains an entry for this variant (Variation ID: 1036547). This variant has not been reported in the literature in individuals affected with RIMS1-related conditions. This variant is not present in population databases (gnomAD no frequency). This sequence change replaces histidine, which is basic and polar, with tyrosine, which is neutral and polar, at codon 757 of the RIMS1 protein (p.His757Tyr).

NM_014989.7(RIMS1):c.2269C>T (p.His757Tyr)

Gene: RIMS1 (regulating synaptic membrane exocytosis 1; plus strand). Cytogenetic location: 6q13.
Variant type: single nucleotide variant.
Coding change: c.2269C>T on transcript NM_014989.7 (MANE Select); coding-DNA position 2269, C replaced by T.
Protein change: p.His757Tyr; replaces histidine 757 with tyrosine.
Molecular consequence: missense variant.
Genome position (GRCh38, 1-based): chr6:72,250,357, C>T. VCF-style: chr6-72250357-C-T. GRCh37 (hg19) VCF-style: chr6-72960060-C-T.
Other names: c.691C>T, p.His231Tyr (NM_001168407.2, NM_001168408.2, NM_001350414.2 and 37 more transcripts); c.448C>T, p.His150Tyr (NM_001168409.2, NM_001350461.2, NM_001350463.2 and 6 more transcripts); c.646C>T, p.His216Tyr (NM_001168410.2, NM_001350470.2, NM_001350472.2 and 2 more transcripts); c.622C>T, p.His208Tyr (NM_001350421.2, NM_001350424.2, NM_001350428.2 and 6 more transcripts); short protein forms H150Y, H216Y, H231Y, H208Y, H757Y.
Identifiers: ClinVar variation 1036547 (VCV001036547.8), dbSNP rs2072637990, ClinGen allele CA364678379.